The following is an entry in ClinVar:

ClinVar aggregate classification (germline): Uncertain significance (1 of 4 stars; one submission).

Conditions:
Charcot-Marie-Tooth disease type 4. Also called: Charcot-Marie-Tooth disease, type IV; Charcot-Marie-Tooth, Type 4. Identifiers: Orphanet 64749, MedGen C4082197, MONDO:0018995.

Allele frequency attached by ClinVar (database versions not stated): ExAC 0.00001; gnomAD 0.00001; gnomAD exomes 0.00001 and 0.00002; TOPMed 0.00002.
gnomAD v4.1: 28 of 1,613,964 alleles (0.0017%); highest among the groups gnomAD compares: South Asian, 0.0099%; no homozygotes.

Submission:

Labcorp Genetics (formerly Invitae), Labcorp
Classification: Uncertain significance for Charcot-Marie-Tooth disease type 4. Last evaluated: 2021-05-18. Review status: criteria provided, single submitter. Criteria: Invitae Variant Classification Sherloc (09022015). Collection method: clinical testing. Allele origin: germline.
Comment: This sequence change replaces arginine with glutamine at codon 1151 of the SBF2 protein (p.Arg1151Gln). The arginine residue is highly conserved and there is a small physicochemical difference between arginine and glutamine. This variant is present in population databases (rs750893713, ExAC 0.006%). This variant has not been reported in the literature in individuals with SBF2-related conditions. Algorithms developed to predict the effect of missense changes on protein structure and function are either unavailable or do not agree on the potential impact of this missense change (SIFT: "Tolerated"; PolyPhen-2: "Possibly Damaging"; Align-GVGD: "Class C0"). Algorithms developed to predict the effect of sequence changes on RNA splicing suggest that this variant may create or strengthen a splice site, but this prediction has not been confirmed by published transcriptional studies. In summary, the available evidence is currently insufficient to determine the role of this variant in disease. Therefore, it has been classified as a Variant of Uncertain Significance.

NM_030962.4(SBF2):c.3452G>A (p.Arg1151Gln)

Genes: SBF2 (SET binding factor 2; minus strand), LOC101928008 (uncharacterized LOC101928008; plus strand). Cytogenetic location: 11p15.4.
Variant type: single nucleotide variant.
Coding change: c.3452G>A on transcript NM_030962.4 (MANE Select); coding-DNA position 3452, G replaced by A.
Protein change: p.Arg1151Gln; replaces arginine 1151 with glutamine.
Molecular consequence: missense variant.
Genome position (GRCh38, 1-based): chr11:9,839,501, C>T on the plus strand (G>A on the coding strand, the complement: SBF2 is on the minus strand). VCF-style: chr11-9839501-C-T. GRCh37 (hg19) VCF-style: chr11-9861048-C-T.
Other names: c.3452G>A, p.Arg1151Gln (NM_001386339.1); c.3323G>A, p.Arg1108Gln (NM_001386342.1); short protein forms R1108Q, R1151Q.
Identifiers: ClinVar variation 1412585 (VCV001412585.7), dbSNP rs750893713, ClinGen allele CA5881282.